The following is an entry in ClinVar:

ClinVar aggregate classification (germline): Likely benign (0 of 4 stars; one submission).

Conditions:
ALDH4A1-related disorder. Also called: ALDH4A1-related condition.

Allele frequency attached by ClinVar (database versions not stated): TOPMed below 0.00001; gnomAD 0.00001.
gnomAD v4.1: 1 of 1,614,106 alleles (0.000062%); highest among the groups gnomAD compares: African/African-American, 0.0013%; no homozygotes.

Submission:

PreventionGenetics, part of Exact Sciences
Classification: Likely benign for ALDH4A1-related condition. Last evaluated: 2021-01-11. Review status: no assertion criteria provided. Collection method: clinical testing. Allele origin: germline.
Comment: This variant is classified as likely benign based on ACMG/AMP sequence variant interpretation guidelines (Richards et al. 2015 PMID: 25741868, with internal and published modifications).

NM_003748.4(ALDH4A1):c.1488G>A (p.Val496=)

Gene: ALDH4A1 (aldehyde dehydrogenase 4 family member A1; minus strand). Cytogenetic location: 1p36.13.
Variant type: single nucleotide variant.
Coding change: c.1488G>A on transcript NM_003748.4 (MANE Select); coding-DNA position 1488, G replaced by A.
Protein change: p.Val496=; no amino-acid change (valine 496 retained).
Molecular consequence: synonymous variant.
Genome position (GRCh38, 1-based): chr1:18,874,554, C>T on the plus strand (G>A on the coding strand, the complement: ALDH4A1 is on the minus strand). VCF-style: chr1-18874554-C-T. GRCh37 (hg19) VCF-style: chr1-19201048-C-T.
Other names: c.1308G>A, p.Val436= (NM_001161504.2); c.1335G>A, p.Val445= (NM_001319218.2); c.1488G>A, p.Val496= (NM_170726.3).
Identifiers: ClinVar variation 3031069 (VCV003031069.2), dbSNP rs780190351, ClinGen allele CA416425685.
Genomic context (GRCh38, chr1:18,874,554, plus strand): 5'-GCCCACTATCGAGCCAGTGGACTTGTCGTTGATGTAGAAGTTGCCGGCAGCATTCCTCAG[C>T]ACCTTTGTGGCCTCCTGCACGACGTCCCTACAAAGCAGAGCAGTGGTGACAGAGCAACCA-3'
Protein context (NP_003739.2, residues 486-506): DKDVVQEATK[Val496=]LRNAAGNFYI